The following is an entry in ClinVar:

NM_002528.7(NTHL1):c.295G>A (p.Asp99Asn)

Gene: NTHL1 (nth like DNA glycosylase 1; minus strand). Cytogenetic location: 16p13.3.
Variant type: single nucleotide variant.
Coding change: c.295G>A on transcript NM_002528.7 (MANE Select); coding-DNA position 295, G replaced by A.
Protein change: p.Asp99Asn; replaces aspartic acid 99 with asparagine.
Molecular consequence: missense variant. On other transcripts: intron variant (1).
Genome position (GRCh38, 1-based): chr16:2,046,187, C>T on the plus strand (G>A on the coding strand, the complement: NTHL1 is on the minus strand). VCF-style: chr16-2046187-C-T. GRCh37 (hg19) VCF-style: chr16-2096188-C-T.
Other names: c.319G>A (NM_002528.5); c.295G>A, p.Asp99Asn (NM_001318193.2); c.24+93G>A (NM_001318194.2); short protein forms D99N.
Identifiers: ClinVar variation 1395999 (VCV001395999.7), dbSNP rs760130778, ClinGen allele CA394295570.

ClinVar aggregate classification (germline): Uncertain significance. Review status: criteria provided, multiple submitters, no conflicts (2 of 4 stars). 2 submissions from 2 submitters: Uncertain significance (2). Last evaluated 2024-01-28.

Conditions:
Hereditary cancer-predisposing syndrome. Also called: Neoplastic Syndromes, Hereditary; Hereditary neoplastic syndrome; Tumor predisposition; Hereditary Cancer Syndrome. Identifiers: Orphanet 140162, MedGen C0027672, MeSH D009386, MONDO:0015356.

Allele frequency attached by ClinVar (database versions not stated): TOPMed below 0.00001; gnomAD 0.00001.

Submissions (2):

Ambry Genetics
Classification: Uncertain significance for Hereditary cancer-predisposing syndrome. Last evaluated: 2024-01-28. Review status: criteria provided, single submitter. Criteria: Ambry Variant Classification Scheme 2023. Collection method: clinical testing. Allele origin: germline.
Comment: The p.D107N variant (also known as c.319G>A), located in coding exon 2 of the NTHL1 gene, results from a G to A substitution at nucleotide position 319. The aspartic acid at codon 107 is replaced by asparagine, an amino acid with highly similar properties. This amino acid position is conserved. In addition, this alteration is predicted to be tolerated by in silico analysis. Based on the available evidence, the clinical significance of this alteration remains unclear.

Labcorp Genetics (formerly Invitae), Labcorp
Classification: Uncertain significance. Last evaluated: 2023-10-13. Review status: criteria provided, single submitter. Criteria: Invitae Variant Classification Sherloc (09022015). Collection method: clinical testing. Allele origin: germline.
Comment: This sequence change replaces aspartic acid, which is acidic and polar, with asparagine, which is neutral and polar, at codon 107 of the NTHL1 protein (p.Asp107Asn). This variant is not present in population databases (gnomAD no frequency). This variant has not been reported in the literature in individuals affected with NTHL1-related conditions. ClinVar contains an entry for this variant (Variation ID: 1395999). An algorithm developed to predict the effect of missense changes on protein structure and function (PolyPhen-2) suggests that this variant is likely to be tolerated. In summary, the available evidence is currently insufficient to determine the role of this variant in disease. Therefore, it has been classified as a Variant of Uncertain Significance.